The following is an entry in ClinVar:

ClinVar aggregate classification (germline): Pathogenic (1 of 4 stars; one submission).

Submission:

Labcorp Genetics (formerly Invitae), Labcorp
Classification: Pathogenic. Last evaluated: 2023-10-25. Review status: criteria provided, single submitter. Criteria: Invitae Variant Classification Sherloc (09022015). Collection method: clinical testing. Allele origin: germline.
Comment: This sequence change creates a premature translational stop signal (p.Tyr162*) in the PIK3C2A gene. It is expected to result in an absent or disrupted protein product. Loss-of-function variants in PIK3C2A are known to be pathogenic (PMID: 31034465). This variant is not present in population databases (gnomAD no frequency). This variant has not been reported in the literature in individuals affected with PIK3C2A-related conditions. For these reasons, this variant has been classified as Pathogenic.

Literature cited by the submitters: PubMed 31034465.

NM_002645.4(PIK3C2A):c.486C>G (p.Tyr162Ter)

Gene: PIK3C2A (phosphatidylinositol-4-phosphate 3-kinase catalytic subunit type 2 alpha; minus strand). Cytogenetic location: 11p15.1.
Variant type: single nucleotide variant.
Coding change: c.486C>G on transcript NM_002645.4 (MANE Select); coding-DNA position 486, C replaced by G.
Protein change: p.Tyr162Ter; replaces tyrosine 162 with a stop codon.
Molecular consequence: nonsense. On other transcripts: intron variant (1).
Genome position (GRCh38, 1-based): chr11:17,169,256, G>C on the plus strand (C>G on the coding strand, the complement: PIK3C2A is on the minus strand). VCF-style: chr11-17169256-G-C. GRCh37 (hg19) VCF-style: chr11-17190803-G-C.
Other names: c.486C>G, p.Tyr162Ter (NM_001321378.2, NM_001386870.1); c.-75-13627C>G (NM_001321380.2); short protein forms Y162*.
Identifiers: ClinVar variation 2771799 (VCV002771799.3), dbSNP rs200262506, ClinGen allele CA379776608.